The following is an entry in ClinVar:

NM_004444.5(EPHB4):c.1588G>A (p.Glu530Lys)

Gene: EPHB4 (EPH receptor B4; minus strand). Cytogenetic location: 7q22.1.
Variant type: single nucleotide variant.
Coding change: c.1588G>A on transcript NM_004444.5 (MANE Select); coding-DNA position 1588, G replaced by A.
Protein change: p.Glu530Lys; replaces glutamic acid 530 with lysine.
Molecular consequence: missense variant.
Genome position (GRCh38, 1-based): chr7:100,817,192, C>T on the plus strand (G>A on the coding strand, the complement: EPHB4 is on the minus strand). VCF-style: chr7-100817192-C-T. GRCh37 (hg19) VCF-style: chr7-100414814-C-T.
Other names: short protein forms E530K.
Identifiers: ClinVar variation 3720622 (VCV003720622.2).
Genomic context (GRCh38, chr7:100,817,192, plus strand): 5'-CTTCCCAGGAACTTTGGGGGTCTTTCCAACCCCCACCCTCACCCCCTTCCCCAGGCTCAC[C>T]ATCCAGTTGGGTCTGGCTGTGATGTTCCTGGCCGAAGGGCCCGTAGCCGGCCTCAGAGCG-3'
Protein context (NP_004435.3, residues 520-540): QEHHSQTQLD[Glu530Lys]SEGWREQLAL

ClinVar aggregate classification (germline): Uncertain significance (1 of 4 stars; one submission).

Submission:

Labcorp Genetics (formerly Invitae), Labcorp
Classification: Uncertain significance. Last evaluated: 2024-12-31. Review status: criteria provided, single submitter. Criteria: Invitae Variant Classification Sherloc (09022015). Collection method: clinical testing. Allele origin: germline.
Comment: This sequence change replaces glutamic acid, which is acidic and polar, with lysine, which is basic and polar, at codon 530 of the EPHB4 protein (p.Glu530Lys). This variant also falls at the last nucleotide of exon 8, which is part of the consensus splice site for this exon. This variant is not present in population databases (gnomAD no frequency). This variant has not been reported in the literature in individuals affected with EPHB4-related conditions. Invitae Evidence Modeling of protein sequence and biophysical properties (such as structural, functional, and spatial information, amino acid conservation, physicochemical variation, residue mobility, and thermodynamic stability) indicates that this missense variant is not expected to disrupt EPHB4 protein function with a negative predictive value of 95%. Variants that disrupt the consensus splice site are a relatively common cause of aberrant splicing (PMID: 17576681, 9536098). Algorithms developed to predict the effect of sequence changes on RNA splicing suggest that this variant may disrupt the consensus splice site. In summary, the available evidence is currently insufficient to determine the role of this variant in disease. Therefore, it has been classified as a Variant of Uncertain Significance.

Literature cited by the submitters: PubMed 17576681; PubMed 9536098.